The following is an entry in ClinVar:

NM_031483.7(ITCH):c.1194A>T (p.Pro398=)

Gene: ITCH (itchy E3 ubiquitin protein ligase; plus strand). Cytogenetic location: 20q11.22.
Variant type: single nucleotide variant.
Coding change: c.1194A>T on transcript NM_031483.7 (MANE Select); coding-DNA position 1194, A replaced by T.
Protein change: p.Pro398=; no amino-acid change (proline 398 retained).
Molecular consequence: synonymous variant.
Genome position (GRCh38, 1-based): chr20:34,449,464, A>T. VCF-style: chr20-34449464-A-T. GRCh37 (hg19) VCF-style: chr20-33037269-A-T.
Other names: c.1317A>T, p.Pro439= (NM_001257137.3, NM_001324197.2); c.864A>T, p.Pro288= (NM_001257138.3); c.1194A>T, p.Pro398= (NM_001324198.2).
Identifiers: ClinVar variation 2763015 (VCV002763015.5), dbSNP rs1250177315, ClinGen allele CA510275895.

ClinVar aggregate classification (germline): Likely benign. Review status: criteria provided, multiple submitters, no conflicts (2 of 4 stars). 2 submissions from 2 submitters: Likely benign (2). Last evaluated 2026-04-01.

Conditions:
Syndromic multisystem autoimmune disease due to ITCH deficiency. Also called: AUTOIMMUNE DISEASE, MULTISYSTEM, WITH FACIAL DYSMORPHISM. Identifiers: Orphanet 228426, MedGen C3150649, MONDO:0013245, OMIM 613385.

gnomAD v4.1: 1 of 1,609,904 alleles (0.000062%); highest among the groups gnomAD compares: Non-Finnish European, 0.000085%; no homozygotes.

Submissions (2):

CeGaT Center for Human Genetics Tuebingen
Classification: Likely benign. Last evaluated: 2026-04-01. Review status: criteria provided, single submitter. Criteria: CeGaT Center For Human Genetics Tuebingen Variant Classification Criteria Version 2. Collection method: clinical testing. Allele origin: germline. Affected: yes. Observed: 1 variant allele.
Comment: ITCH: BP4, BP7

Labcorp Genetics (formerly Invitae), Labcorp
Classification: Likely benign for Syndromic multisystem autoimmune disease due to ITCH deficiency. Last evaluated: 2023-10-23. Review status: criteria provided, single submitter. Criteria: Invitae Variant Classification Sherloc (09022015). Collection method: clinical testing. Allele origin: germline.